The following is an entry in ClinVar:

NM_032382.5(COG8):c.1013T>C (p.Ile338Thr)

Gene: COG8 (component of oligomeric golgi complex 8; minus strand). Cytogenetic location: 16q22.1.
Variant type: single nucleotide variant.
Coding change: c.1013T>C on transcript NM_032382.5 (MANE Select); coding-DNA position 1013, T replaced by C.
Protein change: p.Ile338Thr; replaces isoleucine 338 with threonine.
Molecular consequence: missense variant.
Genome position (GRCh38, 1-based): chr16:69,334,921, A>G on the plus strand (T>C on the coding strand, the complement: COG8 is on the minus strand). VCF-style: chr16-69334921-A-G. GRCh37 (hg19) VCF-style: chr16-69368824-A-G.
Other names: c.1013T>C, p.Ile338Thr (NM_001374871.1, NM_001379261.1, NM_001379262.1 and 4 more transcripts); short protein forms I338T.
Identifiers: ClinVar variation 3343454 (VCV003343454.1).

ClinVar aggregate classification (germline): Uncertain significance (1 of 4 stars; one submission).

gnomAD v4.1: 1 of 1,614,166 alleles (0.000062%); highest among the groups gnomAD compares: Non-Finnish European, 0.000085%; no homozygotes.

Submission:

GeneDx
Classification: Uncertain significance. Last evaluated: 2023-05-16. Review status: criteria provided, single submitter. Criteria: GeneDx Variant Classification Process June 2021. Collection method: clinical testing. Allele origin: germline. Affected: yes.
Comment: Not observed at significant frequency in large population cohorts (gnomAD); In silico analysis supports that this missense variant does not alter protein structure/function; Has not been previously published as pathogenic or benign to our knowledge